The following is an entry in ClinVar:

ClinVar aggregate classification (germline): Uncertain significance (1 of 4 stars; one submission).

Submission:

Labcorp Genetics (formerly Invitae), Labcorp
Classification: Uncertain significance. Last evaluated: 2021-08-05. Review status: criteria provided, single submitter. Criteria: Invitae Variant Classification Sherloc (09022015). Collection method: clinical testing. Allele origin: germline.
Comment: This sequence change replaces alanine with threonine at codon 570 of the SZT2 protein (p.Ala570Thr). The alanine residue is weakly conserved and there is a small physicochemical difference between alanine and threonine. This variant is not present in population databases (ExAC no frequency) and has not been reported in the literature in individuals with a SZT2-related disease. Algorithms developed to predict the effect of missense changes on protein structure and function output the following: SIFT: "Tolerated"; PolyPhen-2: "Benign"; Align-GVGD: "Class C0". The threonine amino acid residue is found in multiple mammalian species, suggesting that this missense change does not adversely affect protein function. These predictions have not been confirmed by published functional studies. In summary, this variant is a novel missense change that is not predicted to affect protein function. There is no indication that it causes disease, but the available evidence is currently insufficient to prove that conclusively. Therefore, it has been classified as a Variant of Uncertain Significance.

NM_001365999.1(SZT2):c.1708G>A (p.Ala570Thr)

Gene: SZT2 (SZT2 subunit of KICSTOR complex; plus strand). Cytogenetic location: 1p34.2.
Variant type: single nucleotide variant.
Coding change: c.1708G>A on transcript NM_001365999.1 (MANE Select); coding-DNA position 1708, G replaced by A.
Protein change: p.Ala570Thr; replaces alanine 570 with threonine.
Molecular consequence: missense variant.
Genome position (GRCh38, 1-based): chr1:43,422,164, G>A. VCF-style: chr1-43422164-G-A. GRCh37 (hg19) VCF-style: chr1-43887835-G-A.
Other names: c.1708G>A, p.Ala570Thr (NM_015284.4); short protein forms A570T.
Identifiers: ClinVar variation 1058920 (VCV001058920.9), dbSNP rs1179202938, ClinGen allele CA340009673.
Genomic context (GRCh38, chr1:43,422,164, plus strand): 5'-GGTTCTGACTCATCCCATGCCCAGTTTGCTGCCTACTGGAAGCCAGTGCTGTCCATGGAT[G>A]CAAATTCCTGGCAGCGATGGCTGCACATGCATCGCCTGGTGCTAATCCTGGAGCATGACA-3'
Protein context (NP_001352928.1, residues 560-580): AYWKPVLSMD[Ala570Thr]NSWQRWLHMH